The following is an entry in ClinVar:

NM_001369.3(DNAH5):c.8951+1G>A

Gene: DNAH5 (dynein axonemal heavy chain 5; minus strand). Cytogenetic location: 5p15.2.
Variant type: single nucleotide variant.
Coding change: c.8951+1G>A on transcript NM_001369.3 (MANE Select); the canonical splice donor site of the intron after coding-DNA position 8951, G replaced by A.
Molecular consequence: splice donor variant.
Genome position (GRCh38, 1-based): chr5:13,780,828, C>T on the plus strand (G>A on the coding strand, the complement: DNAH5 is on the minus strand). VCF-style: chr5-13780828-C-T. GRCh37 (hg19) VCF-style: chr5-13780937-C-T.
Other names: c.8951+1G>A (NM_001369.2).
Identifiers: ClinVar variation 2023383 (VCV002023383.5), dbSNP rs207465619, ClinGen allele CA359212604.
Genomic context (GRCh38, chr5:13,780,828, plus strand): 5'-TGGCCTCTGAGCACCTTTTATCAAAATCCATGTTAGGTTTGTTAAAGTAAAAGGTTGTCA[C>T]CTCGTCAGAGTGATCTGGAAGGAAACGTAGCCAGCAATGAATGAAGCCAACCTCGTCAGG-3'

ClinVar aggregate classification (germline): Likely pathogenic. Review status: criteria provided, multiple submitters, no conflicts (2 of 4 stars). 2 submissions from 2 submitters: Likely pathogenic (2). Last evaluated 2024-12-31.

Conditions:
Primary ciliary dyskinesia. Also called: Ciliary dyskinesia. Identifiers: Orphanet 244, MedGen C0008780, MONDO:0016575, HP:0012265.

Submissions (2):

Natera, Inc.
Classification: Likely pathogenic for Primary ciliary dyskinesia. Last evaluated: 2024-12-31. Review status: criteria provided, single submitter. Criteria: Natera Variant Classification Schema (03/2026). Collection method: clinical testing. Allele origin: germline.
Comment: The c.8951+1G>A variant in DNAH5 is a canonical splice donor site variant predicted to affect pre-mRNA splicing, which may result in an abnormal transcript and altered protein product. This variant is expected to result in nonsense mediated decay, truncation, or a dysfunctional protein product. This variant is rare in the general population with a frequency below the threshold expected for the associated phenotype(s). Given the available evidence, this variant is classified as Likely Pathogenic.

Labcorp Genetics (formerly Invitae), Labcorp
Classification: Likely pathogenic for Primary ciliary dyskinesia. Last evaluated: 2022-08-10. Review status: criteria provided, single submitter. Criteria: Invitae Variant Classification Sherloc (09022015). Collection method: clinical testing. Allele origin: germline.
Comment: In summary, the currently available evidence indicates that the variant is pathogenic, but additional data are needed to prove that conclusively. Therefore, this variant has been classified as Likely Pathogenic. Algorithms developed to predict the effect of sequence changes on RNA splicing suggest that this variant may disrupt the consensus splice site. This variant has not been reported in the literature in individuals affected with DNAH5-related conditions. This variant is not present in population databases (gnomAD no frequency). This sequence change affects a donor splice site in intron 53 of the DNAH5 gene. It is expected to disrupt RNA splicing. Variants that disrupt the donor or acceptor splice site typically lead to a loss of protein function (PMID: 16199547), and loss-of-function variants in DNAH5 are known to be pathogenic (PMID: 11788826, 16627867).

Literature cited by the submitters: PubMed 16199547 (cited by Labcorp Genetics (formerly Invitae), Labcorp); PubMed 11788826 (cited by Labcorp Genetics (formerly Invitae), Labcorp); PubMed 16627867 (cited by Labcorp Genetics (formerly Invitae), Labcorp).